The following is an entry in ClinVar:

ClinVar aggregate classification (germline): Uncertain significance. Review status: criteria provided, multiple submitters, no conflicts (2 of 4 stars). 3 submissions from 3 submitters: Uncertain significance (3). Last evaluated 2025-08-31.

Conditions:
CHD1L-related disorder. Also called: CHD1L-related condition.

Allele frequency attached by ClinVar (database versions not stated): TOPMed 0.00003; ExAC 0.00004; gnomAD 0.00007.
gnomAD v4.1: 70 of 1,608,968 alleles (0.0044%); highest among the groups gnomAD compares: East Asian, 0.0022%; no homozygotes.

Submissions (3):

PreventionGenetics, part of Exact Sciences
Classification: Uncertain significance for CHD1L-related condition. Last evaluated: 2025-08-31. Review status: criteria provided, single submitter. Criteria: ACMG Guidelines, 2015. Collection method: clinical testing. Allele origin: germline.
Comment: The CHD1L c.2686G>A variant is predicted to result in the amino acid substitution p.Val896Met. To our knowledge, this variant has not been reported in the literature. This variant is reported in 0.087% of alleles in individuals of Ashkenazi Jewish descent in gnomAD. At this time, the clinical significance of this variant is uncertain due to the absence of conclusive functional and genetic evidence.

Ambry Genetics
Classification: Uncertain significance. Last evaluated: 2024-12-05. Review status: criteria provided, single submitter. Criteria: Ambry Variant Classification Scheme 2023. Collection method: clinical testing. Allele origin: germline.

CeGaT Center for Human Genetics Tuebingen
Classification: Uncertain significance. Last evaluated: 2018-10-01. Review status: criteria provided, single submitter. Criteria: CeGaT Center For Human Genetics Tuebingen Variant Classification Criteria Version 2. Collection method: clinical testing. Allele origin: germline. Affected: yes. Observed: 1 variant allele.

NM_004284.6(CHD1L):c.2686G>A (p.Val896Met)

Gene: CHD1L (chromodomain helicase DNA binding protein 1 like; plus strand). Cytogenetic location: 1q21.1.
Variant type: single nucleotide variant.
Coding change: c.2686G>A on transcript NM_004284.6 (MANE Select); coding-DNA position 2686, G replaced by A.
Protein change: p.Val896Met; replaces valine 896 with methionine.
Molecular consequence: missense variant. On other transcripts: non-coding transcript variant (16).
Genome position (GRCh38, 1-based): chr1:147,295,501, G>A. VCF-style: chr1-147295501-G-A. GRCh37 (hg19) VCF-style: chr1-146767182-G-A.
Other names: c.2686G>A (NM_004284.3, NM_004284.4); c.2386G>A, p.Val796Met (NM_001256336.3); c.1843G>A, p.Val615Met (NM_001256337.3, NM_001348460.2, NM_001348461.2 and 9 more transcripts); c.2347G>A, p.Val783Met (NM_024568.4, NM_001348453.2); c.2074G>A, p.Val692Met (NM_001256338.3); c.2470G>A, p.Val824Met (NM_001348451.2, NM_001348452.2); c.2230G>A, p.Val744Met (NM_001348454.2); c.2197G>A, p.Val733Met (NM_001348455.2); short protein forms V783M, V615M, V733M, V796M, V744M, V824M, V692M, V896M.
Identifiers: ClinVar variation 806207 (VCV000806207.44), dbSNP rs201349327, ClinGen allele CA1064205.